The following is an entry in ClinVar:

NM_006129.5(BMP1):c.1343C>T (p.Ser448Leu)

Genes: BMP1 (bone morphogenetic protein 1; plus strand), LOC113788269 (BRD4-independent group 4 enhancer GRCh37_chr8:22052064-22053263; plus strand). Cytogenetic location: 8p21.3.
Variant type: single nucleotide variant.
Coding change: c.1343C>T on transcript NM_006129.5 (MANE Select); coding-DNA position 1343, C replaced by T.
Protein change: p.Ser448Leu; replaces serine 448 with leucine.
Molecular consequence: missense variant. On other transcripts: non-coding transcript variant (2).
Genome position (GRCh38, 1-based): chr8:22,194,490, C>T. VCF-style: chr8-22194490-C-T. GRCh37 (hg19) VCF-style: chr8-22052003-C-T.
Other names: c.1343C>T, p.Ser448Leu (NM_001199.4); short protein forms S448L.
Identifiers: ClinVar variation 1416710 (VCV001416710.4), dbSNP rs1299770323, ClinGen allele CA370493371.
Genomic context (GRCh38, chr8:22,194,490, plus strand): 5'-CCTGTGTCCCCACAGCCATCTGCGGGGGTGATGTGAAAAAGGACTATGGCCACATTCAAT[C>T]GCCCAACTACCCAGACGATTACCGGCCCAGCAAAGTCTGCATCTGGCGGATCCAGGTGTC-3'
Protein context (NP_006120.1, residues 438-458): DVKKDYGHIQ[Ser448Leu]PNYPDDYRPS

ClinVar aggregate classification (germline): Uncertain significance (1 of 4 stars; one submission).

Allele frequency attached by ClinVar (database versions not stated): gnomAD exomes below 0.00001.
gnomAD v4.1: 1 of 1,614,178 alleles (0.000062%); highest among the groups gnomAD compares: Non-Finnish European, 0.000085%; no homozygotes.

Submission:

Labcorp Genetics (formerly Invitae), Labcorp
Classification: Uncertain significance. Last evaluated: 2025-09-02. Review status: criteria provided, single submitter. Criteria: Invitae Variant Classification Sherloc (09022015). Collection method: clinical testing. Allele origin: germline.
Comment: This sequence change replaces serine, which is neutral and polar, with leucine, which is neutral and non-polar, at codon 448 of the BMP1 protein (p.Ser448Leu). This variant is not present in population databases (gnomAD no frequency). This variant has not been reported in the literature in individuals affected with BMP1-related conditions. ClinVar contains an entry for this variant (Variation ID: 1416710). Invitae Evidence Modeling of protein sequence and biophysical properties (such as structural, functional, and spatial information, amino acid conservation, physicochemical variation, residue mobility, and thermodynamic stability) indicates that this missense variant is expected to disrupt BMP1 protein function with a positive predictive value of 80%. In summary, the available evidence is currently insufficient to determine the role of this variant in disease. Therefore, it has been classified as a Variant of Uncertain Significance.